The following is an entry in ClinVar:

ClinVar aggregate classification (germline): Conflicting classifications of pathogenicity. Review status: criteria provided, conflicting classifications (1 of 4 stars). 2 submissions from 1 submitter: Uncertain significance (1); Likely benign (1). Last evaluated 2018-01-13.

Conditions:
Stickler syndrome type 2 (STL2). Also called: STICKLER SYNDROME, TYPE II; STICKLER SYNDROME, BEADED VITREOUS TYPE; STICKLER SYNDROME, VITREOUS TYPE 2; COL11A1-Related Stickler Syndrome. Identifiers: Orphanet 828, Orphanet 90654, MedGen C1858084, MONDO:0011493, OMIM 604841.
Fibrochondrogenesis 1 (FBCG1). Identifiers: Orphanet 2021, MedGen C3278138, MONDO:0009226, OMIM 228520.

Allele frequency attached by ClinVar (database versions not stated): 1000 Genomes Project 30x 0.00031; TOPMed 0.00032; gnomAD 0.00034 and 0.00038; 1000 Genomes Project 0.00040.

Submissions (2):

Illumina Laboratory Services, Illumina
Classification: Likely benign for Stickler syndrome type 2. Last evaluated: 2018-01-13. Review status: criteria provided, single submitter. Criteria: ICSL Variant Classification Criteria 13 December 2019. Collection method: clinical testing. Allele origin: germline.
Comment: This variant was observed in the ICSL laboratory as part of a predisposition screen in an ostensibly healthy population. It had not been previously curated by ICSL or reported in the Human Gene Mutation Database (HGMD: prior to June 1st, 2018), and was therefore a candidate for classification through an automated scoring system. Utilizing variant allele frequency, disease prevalence and penetrance estimates, and inheritance mode, an automated score was calculated to assess if this variant is too frequent to cause the disease. Based on the score and internal cut-off values, a variant classified as likely benign is not then subjected to further curation. The score for this variant resulted in a classification of likely benign for this disease.

Illumina Laboratory Services, Illumina
Classification: Uncertain significance for Fibrochondrogenesis 1. Last evaluated: 2018-01-13. Review status: criteria provided, single submitter. Criteria: ICSL Variant Classification Criteria 13 December 2019. Collection method: clinical testing. Allele origin: germline.

NM_001854.4(COL11A1):c.*809C>T

Gene: COL11A1 (collagen type XI alpha 1 chain; minus strand). Cytogenetic location: 1p21.1.
Variant type: single nucleotide variant.
Coding change: c.*809C>T on transcript NM_001854.4 (MANE Select); 809 bases downstream of the stop codon, C replaced by T.
Molecular consequence: 3 prime UTR variant. On other transcripts: non-coding transcript variant (1).
Genome position (GRCh38, 1-based): chr1:102,877,210, G>A on the plus strand (C>T on the coding strand, the complement: COL11A1 is on the minus strand). VCF-style: chr1-102877210-G-A. GRCh37 (hg19) VCF-style: chr1-103342766-G-A.
Other names: c.*809C>T (NM_001190709.2, NM_080629.3, NM_080630.4).
Identifiers: ClinVar variation 291481 (VCV000291481.5), dbSNP rs143875783, ClinGen allele CA10607188.